The following is an entry in ClinVar:

NM_001109878.2(TBX22):c.490G>A (p.Ala164Thr)

Gene: TBX22 (T-box transcription factor 22). Cytogenetic location: Xq21.1.
Variant type: single nucleotide variant.
Coding change: c.490G>A on transcript NM_001109878.2 (MANE Select); coding-DNA position 490, G replaced by A.
Protein change: p.Ala164Thr; replaces alanine 164 with threonine.
Molecular consequence: missense variant.
Genome position (GRCh38, 1-based): chrX:80,025,634, G>A. VCF-style: chrX-80025634-G-A. GRCh37 (hg19) VCF-style: chrX-79281133-G-A.
Other names: c.130G>A, p.Ala44Thr (NM_001109879.2, NM_001303475.1); c.490G>A, p.Ala164Thr (NM_016954.2); short protein forms A164T, A44T.
Identifiers: ClinVar variation 4975262 (VCV004975262.1).

ClinVar aggregate classification (germline): Uncertain significance (1 of 4 stars; one submission).

Submission:

GeneDx
Classification: Uncertain significance. Last evaluated: 2026-02-05. Review status: criteria provided, single submitter. Criteria: GeneDx Variant Classification Process June 2021. Collection method: clinical testing. Allele origin: germline.
Comment: Not observed at significant frequency in large population cohorts (gnomAD); In silico analysis supports that this missense variant has a deleterious effect on protein structure/function; Has not been previously published as pathogenic or benign to our knowledge